The following is an entry in ClinVar:

NM_014679.5(CEP57):c.35C>T (p.Ser12Phe)

Genes: CEP57 (centrosomal protein 57; plus strand), LOC130006618 (ATAC-STARR-seq lymphoblastoid active region 5417; plus strand). Cytogenetic location: 11q21.
Variant type: single nucleotide variant.
Coding change: c.35C>T on transcript NM_014679.5 (MANE Select); coding-DNA position 35, C replaced by T.
Protein change: p.Ser12Phe; replaces serine 12 with phenylalanine.
Molecular consequence: missense variant. On other transcripts: 5 prime UTR variant (2).
Genome position (GRCh38, 1-based): chr11:95,790,733, C>T. VCF-style: chr11-95790733-C-T. GRCh37 (hg19) VCF-style: chr11-95523897-C-T.
Other names: c.-37C>T (NM_001243776.2); c.35C>T, p.Ser12Phe (NM_001243777.2); c.-360C>T (NM_001363604.2); short protein forms S12F.
Identifiers: ClinVar variation 2144200 (VCV002144200.4), dbSNP rs1400279865, ClinGen allele CA382413217.

ClinVar aggregate classification (germline): Uncertain significance (1 of 4 stars; one submission).

Conditions:
Mosaic variegated aneuploidy syndrome 2 (MVA2). Identifiers: Orphanet 1052, MedGen C3279843, MONDO:0013582, OMIM 614114.

Allele frequency attached by ClinVar (database versions not stated): gnomAD exomes below 0.00001.
gnomAD v4.1: 1 of 1,614,080 alleles (0.000062%); highest among the groups gnomAD compares: Admixed American, 0.0017%; no homozygotes.

Submission:

Labcorp Genetics (formerly Invitae), Labcorp
Classification: Uncertain significance for Mosaic variegated aneuploidy syndrome 2. Last evaluated: 2022-02-25. Review status: criteria provided, single submitter. Criteria: Invitae Variant Classification Sherloc (09022015). Collection method: clinical testing. Allele origin: germline.
Comment: This variant is present in population databases (no rsID available, gnomAD 0.003%). This sequence change replaces serine, which is neutral and polar, with phenylalanine, which is neutral and non-polar, at codon 12 of the CEP57 protein (p.Ser12Phe). This variant has not been reported in the literature in individuals affected with CEP57-related conditions. In summary, the available evidence is currently insufficient to determine the role of this variant in disease. Therefore, it has been classified as a Variant of Uncertain Significance. Algorithms developed to predict the effect of missense changes on protein structure and function are either unavailable or do not agree on the potential impact of this missense change (SIFT: "Tolerated"; PolyPhen-2: "Not Available"; Align-GVGD: "Class C0").